The following is an entry in ClinVar:

ClinVar aggregate classification (germline): Conflicting classifications of pathogenicity. Review status: criteria provided, conflicting classifications (1 of 4 stars). 5 submissions from 5 submitters: Uncertain significance (3); Likely benign (2). Last evaluated 2026-08-26.

Conditions:
Luscan-Lumish syndrome. Identifiers: Orphanet 597738, MedGen C4085873, MONDO:0014791, OMIM 616831.
SETD2-related disorder.

Allele frequency attached by ClinVar (database versions not stated): gnomAD exomes 0.00003; gnomAD 0.00008 and 0.00010; ExAC 0.00009; TOPMed 0.00010; ESP Exome Variant Server 0.00044.
gnomAD v4.1: 49 of 1,551,418 alleles (0.0032%); highest among the groups gnomAD compares: African/African-American, 0.031%; no homozygotes.

Submissions (5):

PreventionGenetics, part of Exact Sciences
Classification: Likely benign for SETD2-related condition. Last evaluated: 2026-08-26. Review status: criteria provided, single submitter. Criteria: ACMG Guidelines, 2015. Collection method: clinical testing. Allele origin: germline.
Comment: This variant is classified as likely benign based on ACMG/AMP sequence variant interpretation guidelines (Richards et al. 2015 PMID: 25741868, with internal and published modifications).

GeneDx
Classification: Uncertain significance. Last evaluated: 2022-11-01. Review status: criteria provided, single submitter. Criteria: GeneDx Variant Classification Process June 2021. Collection method: clinical testing. Allele origin: germline. Affected: yes.
Comment: In silico analysis supports that this missense variant has a deleterious effect on protein structure/function; Has not been previously published as pathogenic or benign to our knowledge

Labcorp Genetics (formerly Invitae), Labcorp
Classification: Likely benign for Luscan-Lumish syndrome. Last evaluated: 2022-09-01. Review status: criteria provided, single submitter. Criteria: Invitae Variant Classification Sherloc (09022015). Collection method: clinical testing. Allele origin: germline.

Genome-Nilou Lab
Classification: Uncertain significance for Luscan-Lumish syndrome. Last evaluated: 2022-03-15. Review status: criteria provided, single submitter. Criteria: ACMG Guidelines, 2015. Collection method: clinical testing. Allele origin: germline. Affected: no.

New York Genome Center
Classification: Uncertain significance for Luscan-Lumish syndrome. Last evaluated: 2020-06-12. Review status: criteria provided, single submitter. Criteria: NYGC Assertion Criteria 2020. Collection method: clinical testing. Allele origin: inherited. Observed: 1 heterozygote. Study: CSER-NYCKidSeq.

NM_014159.7(SETD2):c.1180T>C (p.Cys394Arg)

Gene: SETD2 (SET domain containing 2, histone lysine methyltransferase; minus strand). Cytogenetic location: 3p21.31.
Variant type: single nucleotide variant.
Coding change: c.1180T>C on transcript NM_014159.7 (MANE Select); coding-DNA position 1180, T replaced by C.
Protein change: p.Cys394Arg; replaces cysteine 394 with arginine.
Molecular consequence: missense variant. On other transcripts: non-coding transcript variant (1).
Genome position (GRCh38, 1-based): chr3:47,123,456, A>G on the plus strand (T>C on the coding strand, the complement: SETD2 is on the minus strand). VCF-style: chr3-47123456-A-G. GRCh37 (hg19) VCF-style: chr3-47164946-A-G.
Other names: c.1048T>C, p.Cys350Arg (NM_001349370.3); short protein forms C350R, C394R.
Identifiers: ClinVar variation 1038216 (VCV001038216.9), dbSNP rs368465960, ClinGen allele CA2363707.